The following is an entry in ClinVar:

NM_000179.3(MSH6):c.462A>G (p.Ser154=)

Gene: MSH6 (mutS homolog 6; plus strand). Cytogenetic location: 2p16.3.
Variant type: single nucleotide variant.
Coding change: c.462A>G on transcript NM_000179.3 (MANE Select); coding-DNA position 462, A replaced by G.
Protein change: p.Ser154=; no amino-acid change (serine 154 retained).
Molecular consequence: synonymous variant. On other transcripts: 5 prime UTR variant (5), non-coding transcript variant (5), intron variant (8).
Genome position (GRCh38, 1-based): chr2:47,795,898, A>G. VCF-style: chr2-47795898-A-G. GRCh37 (hg19) VCF-style: chr2-48023037-A-G.
Other names: c.-441A>G (NM_001281494.2); c.558A>G, p.Ser186= (NM_001406795.1, NM_001406802.1); c.462A>G, p.Ser154= (NM_001406796.1, NM_001406798.1, NM_001406800.1 and 5 more transcripts); c.165A>G, p.Ser55= (NM_001406797.1, NM_001406801.1, NM_001406805.1 and 10 more transcripts); c.-64A>G (NM_001406799.1, NM_001406806.1, NM_001406807.1); c.384A>G, p.Ser128= (NM_001406804.1); c.468A>G, p.Ser156= (NM_001406813.1); c.-533A>G (NM_001406814.1); and 3 more.
Identifiers: ClinVar variation 3903506 (VCV003903506.1).

ClinVar aggregate classification (germline): Benign (1 of 4 stars; one submission).

Conditions:
Lynch syndrome 5 (LYNCH5). Also called: Colorectal cancer, hereditary nonpolyposis, type 5; Hereditary non-polyposis colorectal cancer, type 5. Identifiers: Orphanet 144, MedGen C1833477, MONDO:0013710, OMIM 614350. Disease mechanism: loss of function.

Submission:

Myriad Genetics, Inc.
Classification: Benign for Lynch syndrome 5. Last evaluated: 2024-12-18. Review status: criteria provided, single submitter. Criteria: Myriad Autosomal Dominant, Autosomal Recessive and X-Linked Classification Criteria (2023). Collection method: clinical testing. Allele origin: unknown.
Comment: This variant is considered benign. This variant is a silent/synonymous amino acid change and it is not expected to impact splicing.